The following is an entry in ClinVar:

NM_005199.5(CHRNG):c.806-1G>A

Gene: CHRNG (cholinergic receptor nicotinic gamma subunit; plus strand). Cytogenetic location: 2q37.1.
Variant type: single nucleotide variant.
Coding change: c.806-1G>A on transcript NM_005199.5 (MANE Select); the canonical splice acceptor site of the intron before coding-DNA position 806, G replaced by A.
Molecular consequence: splice acceptor variant.
Genome position (GRCh38, 1-based): chr2:232,543,274, G>A. VCF-style: chr2-232543274-G-A. GRCh37 (hg19) VCF-style: chr2-233407984-G-A.
Identifiers: ClinVar variation 4985014 (VCV004985014.1).

ClinVar aggregate classification (germline): Likely pathogenic (1 of 4 stars; one submission).

Conditions:
CHRNG-related disorder. Also called: CHRNG-related disorders; CHRNG-related condition.

Submission:

PreventionGenetics, part of Exact Sciences
Classification: Likely pathogenic for CHRNG-related condition. Last evaluated: 2025-03-04. Review status: criteria provided, single submitter. Criteria: ACMG Guidelines, 2015. Collection method: clinical testing. Allele origin: germline.
Comment: The CHRNG c.806-1G>A variant is predicted to disrupt the AG splice acceptor site and interfere with normal splicing. To our knowledge, this variant has not been reported in the literature or in a large population database (gnomAD), indicating this variant is rare. Variants that disrupt the consensus splice acceptor site in CHRNG are expected to be pathogenic. This variant is interpreted as likely pathogenic.